The following is an entry in ClinVar:

ClinVar aggregate classification (germline): Benign/Likely benign. Review status: criteria provided, multiple submitters, no conflicts (2 of 4 stars). 4 submissions from 4 submitters: Benign (1); Likely benign (2). 1 of the submissions does not count toward it. Last evaluated 2026-01-24.

Conditions:
Inborn genetic diseases. Identifiers: MedGen C0950123, MeSH D030342.
MECOM-related disorder. Also called: MECOM-related condition.

Allele frequency attached by ClinVar (database versions not stated): ExAC 0.00007; ESP Exome Variant Server 0.00015; TOPMed 0.00021; gnomAD 0.00025; 1000 Genomes Project 0.00060; 1000 Genomes Project 30x 0.00062.
gnomAD v4.1: 89 of 1,600,688 alleles (0.0056%); highest among the groups gnomAD compares: African/African-American, 0.077%; no homozygotes.

Submissions (4):

Labcorp Genetics (formerly Invitae), Labcorp
Classification: Benign. Last evaluated: 2026-01-24. Review status: criteria provided, single submitter. Criteria: Invitae Variant Classification Sherloc (09022015). Collection method: clinical testing. Allele origin: germline.

Ambry Genetics
Classification: Likely benign for Inborn genetic diseases. Last evaluated: 2024-11-18. Review status: criteria provided, single submitter. Criteria: Ambry Variant Classification Scheme 2023. Collection method: clinical testing. Allele origin: germline.

Blueprint Genetics
Classification: Likely benign. Last evaluated: 2023-12-04. Review status: criteria provided, single submitter. Criteria: ACMG Guidelines, 2015. Collection method: clinical testing. Allele origin: germline.

PreventionGenetics, part of Exact Sciences
Classification: Likely benign for MECOM-related condition. Last evaluated: 2019-05-02. Review status: no assertion criteria provided. Collection method: clinical testing. Allele origin: germline. Not counted in ClinVar's aggregate classification.
Comment: This variant is classified as likely benign based on ACMG/AMP sequence variant interpretation guidelines (Richards et al. 2015 PMID: 25741868, with internal and published modifications).

NM_004991.4(MECOM):c.3561G>A (p.Pro1187=)

Gene: MECOM (MDS1 and EVI1 complex locus; minus strand). Cytogenetic location: 3q26.2.
Variant type: single nucleotide variant.
Coding change: c.3561G>A on transcript NM_004991.4 (MANE Select); coding-DNA position 3561, G replaced by A.
Protein change: p.Pro1187=; no amino-acid change (proline 1187 retained).
Molecular consequence: synonymous variant.
Genome position (GRCh38, 1-based): chr3:169,089,024, C>T on the plus strand (G>A on the coding strand, the complement: MECOM is on the minus strand). VCF-style: chr3-169089024-C-T. GRCh37 (hg19) VCF-style: chr3-168806812-C-T.
Other names: c.3192G>A, p.Pro1064= (NM_001105077.4); c.2997G>A, p.Pro999= (NM_001105078.4, NM_001205194.2, NM_001366469.2 and 1 more transcripts); c.2973G>A, p.Pro991= (NM_001163999.2, NM_001366470.2); c.2970G>A, p.Pro990= (NM_001164000.2, NM_001366471.2, NM_001366472.2); c.3534G>A, p.Pro1178= (NM_001366466.2); c.3000G>A, p.Pro1000= (NM_001366467.2, NM_001366468.2); c.2562G>A, p.Pro854= (NM_001366473.2); c.1998G>A, p.Pro666= (NM_001366474.2); and 2 more.
Identifiers: ClinVar variation 2913796 (VCV002913796.7), dbSNP rs79855280, ClinGen allele CA2695870.